The following is an entry in ClinVar:

NM_001164508.2(NEB):c.6884dup (p.Ala2296fs)

Gene: NEB (nebulin; minus strand). Cytogenetic location: 2q23.3.
Variant type: Duplication.
Coding change: c.6884dup on transcript NM_001164508.2 (MANE Select); coding-DNA position 6884, one base duplicated (T; older notation c.6884dupT).
Protein change: p.Ala2296fs; shifts the reading frame from alanine 2296.
Molecular consequence: frameshift variant.
Genome position (GRCh38, 1-based): chr2:151,654,023, A duplicated on the plus strand (T on the coding strand, the reverse complement: NEB is on the minus strand). VCF-style (leftmost placement, unchanged base first): chr2-151654022-T-TA. GRCh37 (hg19) VCF-style: chr2-152510536-T-TA.
Other names: c.6884dup, p.Ala2296fs (NM_001164507.2, NM_001271208.2, NM_004543.5); short protein forms A2296fs.
Identifiers: ClinVar variation 2708645 (VCV002708645.3), dbSNP rs2552251128, ClinGen allele CA2697551133.
Genomic context (GRCh38, chr2:151,654,022, plus strand): 5'-TAGCCTTATAGAACTCAAACTAGTACTCACATCACTAGCAATGTCTCTTGAAGCTTTAGC[T>TA]AGCTGTACAGAAATTGCATCAACTGGGAGATCATAGCCTTTCTTCAAAGCTTCTTCCCAT-3'

ClinVar aggregate classification (germline): Pathogenic (1 of 4 stars; one submission).

Conditions:
Nemaline myopathy 2 (NEM2). Also called: Nemaline myopathy 2, autosomal recessive. Identifiers: MedGen C1850569, MONDO:0009725, OMIM 256030.

Submission:

Labcorp Genetics (formerly Invitae), Labcorp
Classification: Pathogenic for Nemaline myopathy 2. Last evaluated: 2024-01-10. Review status: criteria provided, single submitter. Criteria: Invitae Variant Classification Sherloc (09022015). Collection method: clinical testing. Allele origin: germline.
Comment: This sequence change creates a premature translational stop signal (p.Ala2296Serfs*2) in the NEB gene. It is expected to result in an absent or disrupted protein product. Loss-of-function variants in NEB are known to be pathogenic (PMID: 25205138). This variant is not present in population databases (gnomAD no frequency). This variant has not been reported in the literature in individuals affected with NEB-related conditions. For these reasons, this variant has been classified as Pathogenic.

Literature cited by the submitters: PubMed 25205138.